The following is an entry in ClinVar:

ClinVar aggregate classification (germline): Uncertain significance. Review status: criteria provided, multiple submitters, no conflicts (2 of 4 stars). 2 submissions from 2 submitters: Uncertain significance (2). Last evaluated 2023-07-25.

Conditions:
Severe combined immunodeficiency due to DNA-PKcs deficiency. Also called: IMMUNODEFICIENCY 26 WITH NEUROLOGIC ABNORMALITIES; Immunodeficiency 26 with or without neurologic abnormalities. Identifiers: Orphanet 317425, MedGen C4014833, MONDO:0014423, OMIM 615966.

Submissions (2):

Labcorp Genetics (formerly Invitae), Labcorp
Classification: Uncertain significance for Severe combined immunodeficiency due to DNA-PKcs deficiency. Last evaluated: 2023-07-25. Review status: criteria provided, single submitter. Criteria: Invitae Variant Classification Sherloc (09022015). Collection method: clinical testing. Allele origin: germline.
Comment: In summary, the available evidence is currently insufficient to determine the role of this variant in disease. Therefore, it has been classified as a Variant of Uncertain Significance. Advanced modeling of protein sequence and biophysical properties (such as structural, functional, and spatial information, amino acid conservation, physicochemical variation, residue mobility, and thermodynamic stability) performed at Invitae indicates that this missense variant is expected to disrupt PRKDC protein function. ClinVar contains an entry for this variant (Variation ID: 2564560). This variant has not been reported in the literature in individuals affected with PRKDC-related conditions. This variant is not present in population databases (gnomAD no frequency). This sequence change replaces aspartic acid, which is acidic and polar, with alanine, which is neutral and non-polar, at codon 382 of the PRKDC protein (p.Asp382Ala).

Ambry Genetics
Classification: Uncertain significance. Last evaluated: 2023-05-23. Review status: criteria provided, single submitter. Criteria: Ambry Variant Classification Scheme 2023. Collection method: clinical testing. Allele origin: germline.
Comment: The p.D382A variant (also known as c.1145A>C), located in coding exon 12 of the PRKDC gene, results from an A to C substitution at nucleotide position 1145. The aspartic acid at codon 382 is replaced by alanine, an amino acid with dissimilar properties. This amino acid position is conserved. In addition, the in silico prediction for this alteration is inconclusive. Since supporting evidence is limited at this time, the clinical significance of this alteration remains unclear.

NM_006904.7(PRKDC):c.1145A>C (p.Asp382Ala)

Gene: PRKDC (protein kinase, DNA-activated, catalytic subunit; minus strand). Cytogenetic location: 8q11.21.
Variant type: single nucleotide variant.
Coding change: c.1145A>C on transcript NM_006904.7 (MANE Select); coding-DNA position 1145, A replaced by C.
Protein change: p.Asp382Ala; replaces aspartic acid 382 with alanine.
Molecular consequence: missense variant.
Genome position (GRCh38, 1-based): chr8:47,936,486, T>G on the plus strand (A>C on the coding strand, the complement: PRKDC is on the minus strand). VCF-style: chr8-47936486-T-G. GRCh37 (hg19) VCF-style: chr8-48849046-T-G.
Other names: c.1145A>C, p.Asp382Ala (NM_001081640.2); short protein forms D382A.
Identifiers: ClinVar variation 2564560 (VCV002564560.5), dbSNP rs2090354542, ClinGen allele CA371166335.